The following is an entry in ClinVar:

ClinVar aggregate classification (germline): Pathogenic. Review status: criteria provided, multiple submitters, no conflicts (2 of 4 stars). 3 submissions from 3 submitters: Pathogenic (2). 1 of the submissions does not count toward it. Last evaluated 2024-07-22.

Conditions:
Cystic fibrosis (CF). Also called: MUCOVISCIDOSIS. Identifiers: Orphanet 586, MedGen C0010674, MONDO:0009061, OMIM 219700. Disease mechanism: loss of function.
Congenital bilateral aplasia of vas deferens from CFTR mutation (CBAVD). Identifiers: Orphanet 48, MedGen C0403814, MONDO:0010178, OMIM 277180. Disease mechanism: loss of function.
CFTR-related disorder (CFTR-RD). Also called: CFTR-related disorders; CFTR-related condition. Identifiers: MedGen C5924204, MONDO:7770004.

Submissions (3):

Natera, Inc.
Classification: Pathogenic for CFTR-related disorders. Last evaluated: 2024-07-22. Review status: criteria provided, single submitter. Criteria: Natera Variant Classification Schema (03/2026). Collection method: clinical testing. Allele origin: germline.
Comment: The c.870-1G>C variant in CFTR is a canonical splice acceptor site variant predicted to affect pre-mRNA splicing, which may result in an abnormal transcript and altered protein product. This variant is expected to result in nonsense mediated decay, truncation, or a dysfunctional protein product. This variant is rare in the general population with a frequency below the threshold expected for the associated phenotype(s). This variant has been observed in one or more individuals affected with the associated recessive disease, as either homozygous or compound heterozygous with a second variant (PMID: 33789612). Given the available evidence, this variant is classified as Pathogenic.

Baylor Genetics
Classification: Pathogenic for Congenital bilateral aplasia of vas deferens from CFTR mutation; Cystic fibrosis. Review status: criteria provided, single submitter. Criteria: ACMG Guidelines, 2015. Collection method: clinical testing. Allele origin: germline.

Counsyl
Classification: Likely pathogenic for Cystic fibrosis. Last evaluated: 2017-11-08. Review status: no assertion criteria provided. Collection method: clinical testing. Allele origin: unknown. Not counted in ClinVar's aggregate classification.

Literature cited by the submitters: PubMed 33789612 (cited by Natera, Inc.); PubMed 27717243 (cited by Counsyl).

NM_000492.4(CFTR):c.870-1G>C

Gene: CFTR (CF transmembrane conductance regulator; plus strand). Cytogenetic location: 7q31.2.
Variant type: single nucleotide variant.
Coding change: c.870-1G>C on transcript NM_000492.4 (MANE Select); the canonical splice acceptor site of the intron before coding-DNA position 870, G replaced by C.
Molecular consequence: splice acceptor variant.
Genome position (GRCh38, 1-based): chr7:117,540,099, G>C. VCF-style: chr7-117540099-G-C. GRCh37 (hg19) VCF-style: chr7-117180153-G-C.
Identifiers: ClinVar variation 554875 (VCV000554875.4), dbSNP rs1351058559, ClinGen allele CA368977818.
Genomic context (GRCh38, chr7:117,540,099, plus strand): 5'-GATCCCTGATATTTGAAAAATAAAATAACATCCTGAATTTTATTGTTATTGTTTTTTATA[G>C]AACAGAACTGAAACTGACTCGGAAGGCAGCCTATGTGAGATACTTCAATAGCTCAGCCTT-3'